The following is an entry in ClinVar:

ClinVar aggregate classification (germline): Uncertain significance. Review status: criteria provided, multiple submitters, no conflicts (2 of 4 stars). 2 submissions from 2 submitters: Uncertain significance (2). Last evaluated 2024-06-05.

Conditions:
Hereditary cancer-predisposing syndrome. Also called: Hereditary neoplastic syndrome; Neoplastic Syndromes, Hereditary; Tumor predisposition; Hereditary Cancer Syndrome. Identifiers: Orphanet 140162, MedGen C0027672, MeSH D009386, MONDO:0015356.
Multiple endocrine neoplasia, type 2 (MEN2). Identifiers: Orphanet 653, MedGen C4048306, MONDO:0019003. Disease mechanism: gain of function.

Submissions (2):

Ambry Genetics
Classification: Uncertain significance for Hereditary cancer-predisposing syndrome. Last evaluated: 2024-06-05. Review status: criteria provided, single submitter. Criteria: Ambry Variant Classification Scheme 2023. Collection method: clinical testing. Allele origin: germline.
Comment: The p.Y1062D variant (also known as c.3184T>G), located in coding exon 19 of the RET gene, results from a T to G substitution at nucleotide position 3184. The tyrosine at codon 1062 is replaced by aspartic acid, an amino acid with highly dissimilar properties. This amino acid position is highly conserved in available vertebrate species. In addition, this alteration is predicted to be deleterious by in silico analysis. Based on the available evidence, the clinical significance of this variant remains unclear.

Labcorp Genetics (formerly Invitae), Labcorp
Classification: Uncertain significance for Multiple endocrine neoplasia, type 2. Last evaluated: 2019-06-13. Review status: criteria provided, single submitter. Criteria: Invitae Variant Classification Sherloc (09022015). Collection method: clinical testing. Allele origin: germline.
Comment: In summary, the available evidence is currently insufficient to determine the role of this variant in disease. Therefore, it has been classified as a Variant of Uncertain Significance. Algorithms developed to predict the effect of missense changes on protein structure and function are either unavailable or do not agree on the potential impact of this missense change (SIFT: "Tolerated"; PolyPhen-2: "Possibly Damaging"; Align-GVGD: "Class C0"). This variant has not been reported in the literature in individuals with RET-related conditions. This variant is not present in population databases (ExAC no frequency). This sequence change replaces tyrosine with aspartic acid at codon 1062 of the RET protein (p.Tyr1062Asp). The tyrosine residue is highly conserved and there is a large physicochemical difference between tyrosine and aspartic acid.

NM_020975.6(RET):c.3184T>G (p.Tyr1062Asp)

Gene: RET (ret proto-oncogene; plus strand). Cytogenetic location: 10q11.21.
Variant type: single nucleotide variant.
Coding change: c.3184T>G on transcript NM_020975.6 (MANE Select); coding-DNA position 3184, T replaced by G.
Protein change: p.Tyr1062Asp; replaces tyrosine 1062 with aspartic acid.
Molecular consequence: missense variant.
Genome position (GRCh38, 1-based): chr10:43,126,719, T>G. VCF-style: chr10-43126719-T-G. GRCh37 (hg19) VCF-style: chr10-43622167-T-G.
Other names: c.3184T>G, p.Tyr1062Asp (NM_000323.2, NM_001406743.1, NM_001406744.1 and 2 more transcripts); c.2422T>G, p.Tyr808Asp (NM_001355216.2); c.3055T>G, p.Tyr1019Asp (NM_001406761.1, NM_001406762.1, NM_001406764.1); c.3049T>G, p.Tyr1017Asp (NM_001406763.1, NM_001406765.1); c.2896T>G, p.Tyr966Asp (NM_001406766.1, NM_001406767.1, NM_001406770.1); c.2920T>G, p.Tyr974Asp (NM_001406768.1); c.2788T>G, p.Tyr930Asp (NM_001406769.1, NM_001406772.1); c.2746T>G, p.Tyr916Asp (NM_001406771.1, NM_001406773.1); and 10 more; short protein forms Y1062D, Y808D, Y1017D, Y723D, Y820D, Y974D, Y718D, Y763D.
Identifiers: ClinVar variation 834470 (VCV000834470.11), dbSNP rs138010639, ClinGen allele CA376558554.